The following is an entry in ClinVar:

ClinVar aggregate classification (germline): Likely benign. Review status: criteria provided, multiple submitters, no conflicts (2 of 4 stars). 3 submissions from 3 submitters: Likely benign (2). 1 of the submissions does not count toward it. Last evaluated 2025-10-24.

Conditions:
TRRAP-related disorder. Also called: TRRAP-related condition.

Allele frequency attached by ClinVar (database versions not stated): gnomAD 0.00003; ExAC 0.00005; TOPMed 0.00006.
gnomAD v4.1: 80 of 1,545,724 alleles (0.0052%); highest among the groups gnomAD compares: Middle Eastern, 0.017%; no homozygotes.

Submissions (3):

Labcorp Genetics (formerly Invitae), Labcorp
Classification: Likely benign. Last evaluated: 2025-10-24. Review status: criteria provided, single submitter. Criteria: Invitae Variant Classification Sherloc (09022015). Collection method: clinical testing. Allele origin: germline.

Blueprint Genetics
Classification: Likely benign. Last evaluated: 2023-09-01. Review status: criteria provided, single submitter. Criteria: ACMG Guidelines, 2015. Collection method: clinical testing. Allele origin: germline.

PreventionGenetics, part of Exact Sciences
Classification: Likely benign for TRRAP-related condition. Last evaluated: 2023-08-01. Review status: no assertion criteria provided. Collection method: clinical testing. Allele origin: germline. Not counted in ClinVar's aggregate classification.
Comment: This variant is classified as likely benign based on ACMG/AMP sequence variant interpretation guidelines (Richards et al. 2015 PMID: 25741868, with internal and published modifications).

NM_001375524.1(TRRAP):c.1116-4G>A

Gene: TRRAP (transformation/transcription domain associated protein; plus strand). Cytogenetic location: 7q22.1.
Variant type: single nucleotide variant.
Coding change: c.1116-4G>A on transcript NM_001375524.1 (MANE Select); 4 bases into the intron before coding-DNA position 1116, G replaced by A.
Molecular consequence: intron variant.
Genome position (GRCh38, 1-based): chr7:98,908,724, G>A. VCF-style: chr7-98908724-G-A. GRCh37 (hg19) VCF-style: chr7-98506347-G-A.
Other names: c.1116-4G>A (NM_001244580.2, NM_003496.4, NM_003496.3).
Identifiers: ClinVar variation 2170349 (VCV002170349.7), dbSNP rs782674362, ClinGen allele CA4359449.